The following is an entry in ClinVar:

NM_000271.5(NPC1):c.3817G>A (p.Glu1273Lys)

Gene: NPC1 (NPC intracellular cholesterol transporter 1; minus strand). Cytogenetic location: 18q11.2.
Variant type: single nucleotide variant.
Coding change: c.3817G>A on transcript NM_000271.5 (MANE Select); coding-DNA position 3817, G replaced by A.
Protein change: p.Glu1273Lys; replaces glutamic acid 1273 with lysine.
Molecular consequence: missense variant.
Genome position (GRCh38, 1-based): chr18:23,532,222, C>T on the plus strand (G>A on the coding strand, the complement: NPC1 is on the minus strand). VCF-style: chr18-23532222-C-T. GRCh37 (hg19) VCF-style: chr18-21112186-C-T.
Other names: c.3817G>A (NM_000271.4); short protein forms E1273K.
Identifiers: ClinVar variation 2190948 (VCV002190948.2), dbSNP rs969680897, ClinGen allele CA297075130.

ClinVar aggregate classification (germline): Uncertain significance. Review status: criteria provided, multiple submitters, no conflicts (2 of 4 stars). 2 submissions from 2 submitters: Uncertain significance (2). Last evaluated 2023-05-16.

Conditions:
Niemann-Pick disease, type C1. Also called: NIEMANN-PICK DISEASE, VARIANT TYPE C1; NEUROVISCERAL STORAGE DISEASE WITH VERTICAL SUPRANUCLEAR OPHTHALMOPLEGIA; NIEMANN-PICK DISEASE WITH CHOLESTEROL ESTERIFICATION BLOCK; NIEMANN-PICK DISEASE WITHOUT SPHINGOMYELINASE DEFICIENCY; NIEMANN-PICK DISEASE, CHRONIC NEURONOPATHIC FORM. Identifiers: Orphanet 646, MedGen C3179455, MONDO:0009757, OMIM 257220.

Allele frequency attached by ClinVar (database versions not stated): gnomAD 0.00001; TOPMed 0.00001; gnomAD exomes 0.00002.
gnomAD v4.1: 25 of 1,614,028 alleles (0.0015%); highest among the groups gnomAD compares: East Asian, 0.0045%; no homozygotes.

Submissions (2):

Women's Health and Genetics/Laboratory Corporation of America, LabCorp
Classification: Uncertain significance. Last evaluated: 2023-05-16. Review status: criteria provided, single submitter. Criteria: LabCorp Variant Classification Summary - May 2015. Collection method: clinical testing. Allele origin: germline.
Comment: Variant summary: NPC1 c.3817G>A (p.Glu1273Lys) results in a conservative amino acid change in the encoded protein sequence. Four of five in-silico tools predict a benign effect of the variant on protein function. The variant was absent in 251468 control chromosomes (gnomAD). The available data on variant occurrences in the general population are insufficient to allow any conclusion about variant significance. c.3817G>A has been reported in the literature in the heterozygous state in an individual affected with non-alcoholic fatty liver disease (Feng_2019). This report does not provide unequivocal conclusions about association of the variant with Niemann-Pick Disease Type C. Experimental evidence evaluating an impact on protein function found that the variant was slower to clear cholesterol from lysosomal storage organelles in vitro compared to the WT protein but that it maintained transport activity, thus this study does not allow any definitive conclusions about the variant effect (Feng_2019). The following publication has been ascertained in the context of this evaluation (PMID: 31635081). One clinical diagnostic laboratory has submitted a clinical-significance assessment for this variant to ClinVar after 2014 and classified the variant as uncertain significance. Based on the evidence outlined above, the variant was classified as uncertain significance.

Labcorp Genetics (formerly Invitae), Labcorp
Classification: Uncertain significance for Niemann-Pick disease, type C1. Last evaluated: 2022-06-30. Review status: criteria provided, single submitter. Criteria: Invitae Variant Classification Sherloc (09022015). Collection method: clinical testing. Allele origin: germline.
Comment: This sequence change replaces glutamic acid, which is acidic and polar, with lysine, which is basic and polar, at codon 1273 of the NPC1 protein (p.Glu1273Lys). This variant is present in population databases (no rsID available, gnomAD 0.01%). This missense change has been observed in individual(s) with non-alcoholic fatty liver disease (PMID: 3165081). Advanced modeling of protein sequence and biophysical properties (such as structural, functional, and spatial information, amino acid conservation, physicochemical variation, residue mobility, and thermodynamic stability) performed at Invitae indicates that this missense variant is not expected to disrupt NPC1 protein function. Experimental studies have shown that this missense change affects NPC1 function (PMID: 31635081). In summary, the available evidence is currently insufficient to determine the role of this variant in disease. Therefore, it has been classified as a Variant of Uncertain Significance.

Literature cited by the submitters: PubMed 31635081 (cited by Women's Health and Genetics/Laboratory Corporation of America, LabCorp and Labcorp Genetics (formerly Invitae), Labcorp); PubMed 3165081 (cited by Labcorp Genetics (formerly Invitae), Labcorp).